The following is an entry in ClinVar:

ClinVar aggregate classification (germline): Benign/Likely benign. Review status: criteria provided, multiple submitters, no conflicts (2 of 4 stars). 4 submissions from 4 submitters: Benign (1); Likely benign (2). 1 of the submissions does not count toward it. Last evaluated 2026-01-29.

Allele frequency attached by ClinVar (database versions not stated): 1000 Genomes Project 0.01138; 1000 Genomes Project 30x 0.01202; TOPMed 0.02597; gnomAD exomes 0.02799 and 0.03982; gnomAD 0.02844 and 0.02906; ExAC 0.02954; ESP Exome Variant Server 0.03175.
gnomAD v4.1: 62,206 of 1,614,050 alleles (3.9%); highest among the groups gnomAD compares: Non-Finnish European, 4.7%; 1,416 homozygotes.

Submissions (4):

Labcorp Genetics (formerly Invitae), Labcorp
Classification: Benign. Last evaluated: 2026-01-29. Review status: criteria provided, single submitter. Criteria: Invitae Variant Classification Sherloc (09022015). Collection method: clinical testing. Allele origin: germline.

GeneDx
Classification: Likely benign. Last evaluated: 2020-05-01. Review status: criteria provided, single submitter. Criteria: GeneDx Variant Classification Process June 2021. Collection method: clinical testing. Allele origin: germline. Affected: yes.

Breakthrough Genomics
Classification: Likely benign. Review status: criteria provided, single submitter. Criteria: ACMG Guidelines, 2015. Collection method: not provided. Allele origin: germline. Inheritance: Autosomal recessive inheritance. Affected: yes.

Genetic Services Laboratory, University of Chicago
Classification: Likely benign for AllHighlyPenetrant. Review status: no assertion criteria provided. Collection method: clinical testing. Allele origin: germline. Inheritance: Autosomal recessive inheritance. Not counted in ClinVar's aggregate classification.
Comment: Likely benign based on allele frequency in 1000 Genomes Project or ESP global frequency and its presence in a patient with a rare or unrelated disease phenotype. NOT Sanger confirmed.

NM_020987.5(ANK3):c.2124T>C (p.Asp708=)

Gene: ANK3 (ankyrin 3; minus strand). Cytogenetic location: 10q21.2.
Variant type: single nucleotide variant.
Coding change: c.2124T>C on transcript NM_020987.5 (MANE Select); coding-DNA position 2124, T replaced by C.
Protein change: p.Asp708=; no amino-acid change (aspartic acid 708 retained).
Molecular consequence: synonymous variant.
Genome position (GRCh38, 1-based): chr10:60,181,389, A>G on the plus strand (T>C on the coding strand, the complement: ANK3 is on the minus strand). VCF-style: chr10-60181389-A-G. GRCh37 (hg19) VCF-style: chr10-61941147-A-G.
Other names: c.2106T>C, p.Asp702= (NM_001204403.2); c.2073T>C, p.Asp691= (NM_001204404.2); c.2124T>C, p.Asp708= (NM_001320874.2).
Identifiers: ClinVar variation 128365 (VCV000128365.17), dbSNP rs34552044, ClinGen allele CA151778.